The following is an entry in ClinVar:

NM_005559.4(LAMA1):c.4122+5G>A

Gene: LAMA1 (laminin subunit alpha 1; minus strand). Cytogenetic location: 18p11.31.
Variant type: single nucleotide variant.
Coding change: c.4122+5G>A on transcript NM_005559.4 (MANE Select); 5 bases into the intron after coding-DNA position 4122, G replaced by A.
Molecular consequence: intron variant.
Genome position (GRCh38, 1-based): chr18:7,008,483, C>T on the plus strand (G>A on the coding strand, the complement: LAMA1 is on the minus strand). VCF-style: chr18-7008483-C-T. GRCh37 (hg19) VCF-style: chr18-7008482-C-T.
Identifiers: ClinVar variation 1984523 (VCV001984523.4), dbSNP rs780016187, ClinGen allele CA8882036.

ClinVar aggregate classification (germline): Uncertain significance (1 of 4 stars; one submission).

Allele frequency attached by ClinVar (database versions not stated): gnomAD exomes 0.00002; ExAC 0.00003; gnomAD 0.00003; TOPMed 0.00003.
gnomAD v4.1: 37 of 1,613,698 alleles (0.0023%); highest among the groups gnomAD compares: South Asian, 0.0099%; no homozygotes.

Submission:

Labcorp Genetics (formerly Invitae), Labcorp
Classification: Uncertain significance. Last evaluated: 2025-01-21. Review status: criteria provided, single submitter. Criteria: Invitae Variant Classification Sherloc (09022015). Collection method: clinical testing. Allele origin: germline.
Comment: This sequence change falls in intron 28 of the LAMA1 gene. It does not directly change the encoded amino acid sequence of the LAMA1 protein. It affects a nucleotide within the consensus splice site. This variant is present in population databases (rs780016187, gnomAD 0.02%). This variant has not been reported in the literature in individuals affected with LAMA1-related conditions. ClinVar contains an entry for this variant (Variation ID: 1984523). Variants that disrupt the consensus splice site are a relatively common cause of aberrant splicing (PMID: 17576681, 9536098). Algorithms developed to predict the effect of sequence changes on RNA splicing suggest that this variant may disrupt the consensus splice site. In summary, the available evidence is currently insufficient to determine the role of this variant in disease. Therefore, it has been classified as a Variant of Uncertain Significance.

Literature cited by the submitters: PubMed 17576681; PubMed 9536098.